The following is an entry in ClinVar:

ClinVar aggregate classification (germline): Likely benign. Review status: criteria provided, multiple submitters, no conflicts (2 of 4 stars). 4 submissions from 4 submitters: Likely benign (3). 1 of the submissions does not count toward it. Last evaluated 2025-11-03.

Conditions:
PCDH15-related disorder. Also called: PCDH15-related condition; PCDH15-related disorders.
Usher syndrome type 1F (USH1F). Also called: USHER SYNDROME, TYPE IF. Identifiers: Orphanet 231169, Orphanet 886, MedGen C1865885, MONDO:0011186, OMIM 602083.

Submissions (4):

PreventionGenetics, part of Exact Sciences
Classification: Likely benign for PCDH15-related condition. Last evaluated: 2025-11-03. Review status: criteria provided, single submitter. Criteria: ACMG Guidelines, 2015. Collection method: clinical testing. Allele origin: germline.
Comment: This variant is classified as likely benign based on ACMG/AMP sequence variant interpretation guidelines (Richards et al. 2015 PMID: 25741868, with internal and published modifications).

Labcorp Genetics (formerly Invitae), Labcorp
Classification: Likely benign. Last evaluated: 2025-10-07. Review status: criteria provided, single submitter. Criteria: Invitae Variant Classification Sherloc (09022015). Collection method: clinical testing. Allele origin: germline.

Blueprint Genetics
Classification: Likely benign. Last evaluated: 2023-12-05. Review status: criteria provided, single submitter. Criteria: ACMG Guidelines, 2015. Collection method: clinical testing. Allele origin: germline.

Natera, Inc.
Classification: Uncertain significance for Usher syndrome type 1F. Last evaluated: 2020-04-17. Review status: no assertion criteria provided. Collection method: clinical testing. Allele origin: germline. Not counted in ClinVar's aggregate classification.

NM_001384140.1(PCDH15):c.1998-21GTTT[2]

Gene: PCDH15 (protocadherin related 15; minus strand). Cytogenetic location: 10q21.1.
Variant type: Microsatellite.
Coding change: c.1998-21GTTT[2] on transcript NM_001384140.1 (MANE Select); two copies in a row of the 4-base unit GTTT starting at c.1998-21; the reference has three copies in a row; one copy, 4 bases deleted.
Molecular consequence: intron variant.
Genome position (GRCh38, 1-based): chr10:54,079,434-54,079,437, AAAC deleted on the plus strand (GTTT on the coding strand, the reverse complement: PCDH15 is on the minus strand); deleting any 4 consecutive bases within chr10:54,079,434-54,079,448 gives the same sequence; the position shown is the placement nearest the transcript's 3' end. VCF-style (leftmost placement, unchanged base first): chr10-54079433-AAAAC-A. GRCh37 (hg19) VCF-style: chr10-55839193-AAAAC-A.
Other names: c.1998-13_1998-10delGTTT (NM_033056.4); c.1998-21GTTT[2] (NM_001354420.2, NM_001354429.2, NM_001142772.2 and 5 more transcripts); c.2013-21GTTT[2] (NM_001142771.2, NM_001142763.2); c.2019-21GTTT[2] (NM_001354411.2); c.2034-21GTTT[2] (NM_001142769.3); c.1932-21GTTT[2] (NM_001354404.2, NM_001142773.2, NM_001142768.2); c.1887-21GTTT[2] (NM_001142767.2); c.1785-21GTTT[2] (NM_001142765.2).
Identifiers: ClinVar variation 990235 (VCV000990235.11), dbSNP rs763135922, ClinGen allele CA5506160.
Genomic context (GRCh38, chr10:54,079,433, plus strand): 5'-GCGATCAGTGCTTTCCCTGTCCAGTGCTTTCCCTAAGGTTAGAATCCCCGTGCTAGTGAC[AAAAC>A]AAACAAACAAATAAGACAAAAAGAGATATTATGTCACAAGGAGAGTCTTCTTAGTATAGT-3'